The following is an entry in ClinVar:

ClinVar aggregate classification (germline): Pathogenic (1 of 4 stars; one submission).

Submission:

Labcorp Genetics (formerly Invitae), Labcorp
Classification: Pathogenic. Last evaluated: 2022-01-26. Review status: criteria provided, single submitter. Criteria: Invitae Variant Classification Sherloc (09022015). Collection method: clinical testing. Allele origin: germline.
Comment: For these reasons, this variant has been classified as Pathogenic. This variant has not been reported in the literature in individuals affected with RUNX2-related conditions. This variant is not present in population databases (gnomAD no frequency). This sequence change creates a premature translational stop signal (p.Gln63*) in the RUNX2 gene. It is expected to result in an absent or disrupted protein product. Loss-of-function variants in RUNX2 are known to be pathogenic (PMID: 10521292, 11857736).

Literature cited by the submitters: PubMed 10521292; PubMed 11857736.

NM_001024630.4(RUNX2):c.187C>T (p.Gln63Ter)

Genes: RUNX2 (RUNX family transcription factor 2; plus strand), LOC109611589 (runt related transcription factor 2 polyalanine expansion region; plus strand). Cytogenetic location: 6p21.1.
Variant type: single nucleotide variant.
Coding change: c.187C>T on transcript NM_001024630.4 (MANE Select); coding-DNA position 187, C replaced by T.
Protein change: p.Gln63Ter; replaces glutamine 63 with a stop codon.
Molecular consequence: nonsense.
Genome position (GRCh38, 1-based): chr6:45,422,721, C>T. VCF-style: chr6-45422721-C-T. GRCh37 (hg19) VCF-style: chr6-45390458-C-T.
Other names: c.187C>T, p.Gln63Ter (NM_001015051.4); c.145C>T, p.Gln49Ter (NM_001278478.2, NM_001369405.1, NM_004348.3); short protein forms Q49*, Q63*.
Identifiers: ClinVar variation 2089848 (VCV002089848.4), dbSNP rs2548581809, ClinGen allele CA363957837.